The following is an entry in ClinVar:

NM_000034.3:c.249A>G

Gene: ALDOA (aldolase, fructose-bisphosphate A; plus strand).
Variant type: single nucleotide variant.
Other names: p.Thr83=.
Identifiers: ClinVar variation 4684087 (VCV004684087.1).

ClinVar aggregate classification (germline): Likely benign (1 of 4 stars; one submission).

Submission:

Mayo Clinic Laboratories, Mayo Clinic
Classification: Likely benign. Last evaluated: 2025-11-12. Review status: criteria provided, single submitter. Criteria: ACMG Guidelines, 2015. Collection method: clinical testing. Allele origin: germline. Observed: 20 variant alleles.
Comment: BS1, BP4, BP7